The following is an entry in ClinVar:

NM_001384474.1(LOXHD1):c.4048C>T (p.Gln1350Ter)

Gene: LOXHD1 (lipoxygenase homology PLAT domains 1; minus strand). Cytogenetic location: 18q21.1.
Variant type: single nucleotide variant.
Coding change: c.4048C>T on transcript NM_001384474.1 (MANE Select); coding-DNA position 4048, C replaced by T.
Protein change: p.Gln1350Ter; replaces glutamine 1350 with a stop codon.
Molecular consequence: nonsense.
Genome position (GRCh38, 1-based): chr18:46,538,203, G>A on the plus strand (C>T on the coding strand, the complement: LOXHD1 is on the minus strand). VCF-style: chr18-46538203-G-A. GRCh37 (hg19) VCF-style: chr18-44118166-G-A.
Other names: c.4048C>T, p.Gln1350Ter (NM_144612.7); c.715C>T, p.Gln239Ter (NM_001145472.3); c.427C>T, p.Gln143Ter (NM_001308013.2); short protein forms Q1350*, Q143*, Q239*.
Identifiers: ClinVar variation 2018040 (VCV002018040.5), dbSNP rs1306442938, ClinGen allele CA402376825.
Genomic context (GRCh38, chr18:46,538,203, plus strand): 5'-TGAGCCCAAGTACCTCTACGATGAAGCGGGAGGCAGACTTCCTCTCAAAGAACTGCTTCT[G>A]TTCCCTCTTGTTGGTACACAGATACTTCTGCTGGGTGCACACGGCATCGCAGCCATAGAT-3'

ClinVar aggregate classification (germline): Pathogenic. Review status: criteria provided, multiple submitters, no conflicts (2 of 4 stars). 2 submissions from 2 submitters: Pathogenic (2). Last evaluated 2024-05-23.

Conditions:
Autosomal recessive nonsyndromic hearing loss 77. Identifiers: Orphanet 90636, MedGen C2746083, MONDO:0013119, OMIM 613079.

Allele frequency attached by ClinVar (database versions not stated): gnomAD exomes below 0.00001.

Submissions (2):

Myriad Genetics, Inc.
Classification: Pathogenic for Autosomal recessive nonsyndromic hearing loss 77. Last evaluated: 2024-05-23. Review status: criteria provided, single submitter. Criteria: Myriad Autosomal Dominant, Autosomal Recessive and X-Linked Classification Criteria (2023). Collection method: clinical testing. Allele origin: unknown.
Comment: NM_144612.6(LOXHD1):c.4048C>T(Q1350*) is expected to be pathogenic in the context of nonsyndromic hearing loss, LOXHD1-related. This variant is predicted to lead to an abnormal or absent protein product due to the creation of a premature termination codon in LOXHD1, a gene where loss-of-function variants are known to be pathogenic. Please note: this variant was assessed in the context of healthy population screening.

Labcorp Genetics (formerly Invitae), Labcorp
Classification: Pathogenic. Last evaluated: 2022-07-19. Review status: criteria provided, single submitter. Criteria: Invitae Variant Classification Sherloc (09022015). Collection method: clinical testing. Allele origin: germline.
Comment: This sequence change creates a premature translational stop signal (p.Gln1350*) in the LOXHD1 gene. It is expected to result in an absent or disrupted protein product. Loss-of-function variants in LOXHD1 are known to be pathogenic (PMID: 19732867, 21465660, 25792669). This variant is present in population databases (no rsID available, gnomAD 0.002%). This variant has not been reported in the literature in individuals affected with LOXHD1-related conditions. For these reasons, this variant has been classified as Pathogenic.

Literature cited by the submitters: PubMed 19732867 (cited by Labcorp Genetics (formerly Invitae), Labcorp); PubMed 21465660 (cited by Labcorp Genetics (formerly Invitae), Labcorp); PubMed 25792669 (cited by Labcorp Genetics (formerly Invitae), Labcorp).